The following is an entry in ClinVar:

ClinVar aggregate classification (germline): Uncertain significance. Review status: criteria provided, multiple submitters, no conflicts (2 of 4 stars). 2 submissions from 2 submitters: Uncertain significance (2). Last evaluated 2022-02-11.

Submissions (2):

Labcorp Genetics (formerly Invitae), Labcorp
Classification: Uncertain significance. Last evaluated: 2022-02-11. Review status: criteria provided, single submitter. Criteria: Invitae Variant Classification Sherloc (09022015). Collection method: clinical testing. Allele origin: germline.
Comment: This sequence change replaces proline, which is neutral and non-polar, with threonine, which is neutral and polar, at codon 334 of the ROM1 protein (p.Pro334Thr). This variant is present in population databases (rs201291804, gnomAD 0.004%). This variant has not been reported in the literature in individuals affected with ROM1-related conditions. Algorithms developed to predict the effect of missense changes on protein structure and function are either unavailable or do not agree on the potential impact of this missense change (SIFT: "Tolerated"; PolyPhen-2: "Probably Damaging"; Align-GVGD: "Class C0"). In summary, the available evidence is currently insufficient to determine the role of this variant in disease. Therefore, it has been classified as a Variant of Uncertain Significance.

Blueprint Genetics
Classification: Uncertain significance. Last evaluated: 2018-04-11. Review status: criteria provided, single submitter. Criteria: ACMG Guidelines, 2015. Collection method: clinical testing. Allele origin: germline.

NM_000327.4(ROM1):c.1000C>A (p.Pro334Thr)

Gene: ROM1 (retinal outer segment membrane protein 1; plus strand). Cytogenetic location: 11q12.3.
Variant type: single nucleotide variant.
Coding change: c.1000C>A on transcript NM_000327.4 (MANE Select); coding-DNA position 1000, C replaced by A.
Protein change: p.Pro334Thr; replaces proline 334 with threonine.
Molecular consequence: missense variant.
Genome position (GRCh38, 1-based): chr11:62,614,783, C>A. VCF-style: chr11-62614783-C-A. GRCh37 (hg19) VCF-style: chr11-62382255-C-A.
Other names: short protein forms P334T.
Identifiers: ClinVar variation 1937203 (VCV001937203.6), dbSNP rs201291804, ClinGen allele CA6049895.